The following is an entry in ClinVar:

ClinVar aggregate classification (germline): Conflicting classifications of pathogenicity. Review status: criteria provided, conflicting classifications (1 of 4 stars). 2 submissions from 2 submitters: Pathogenic (1); Uncertain significance (1). Last evaluated 2024-01-17.

Conditions:
Hyperkalemic periodic paralysis. Also called: Gamstorp disease; Familial hyperkalemic periodic paralysis. Identifiers: Orphanet 682, MedGen C0238357, MONDO:0008224, OMIM 170500, HP:0007215.

Allele frequency attached by ClinVar (database versions not stated): gnomAD exomes 0.00001; ExAC 0.00002; TOPMed 0.00002; 1000 Genomes Project 30x 0.00016.

Submissions (2):

Labcorp Genetics (formerly Invitae), Labcorp
Classification: Pathogenic for Hyperkalemic periodic paralysis. Last evaluated: 2024-01-17. Review status: criteria provided, single submitter. Criteria: Invitae Variant Classification Sherloc (09022015). Collection method: clinical testing. Allele origin: germline.
Comment: This sequence change replaces arginine, which is basic and polar, with histidine, which is basic and polar, at codon 1463 of the SCN4A protein (p.Arg1463His). This variant is present in population databases (rs771340029, gnomAD 0.003%). This missense change has been observed in individuals with clinical features of paramyotonia congenita (PMID: 29606556, 33670307; Invitae). It has also been observed to segregate with disease in related individuals. ClinVar contains an entry for this variant (Variation ID: 642244). Advanced modeling of protein sequence and biophysical properties (such as structural, functional, and spatial information, amino acid conservation, physicochemical variation, residue mobility, and thermodynamic stability) performed at Invitae indicates that this missense variant is expected to disrupt SCN4A protein function with a positive predictive value of 80%. Experimental studies have shown that this missense change affects SCN4A function (PMID: 33670307). This variant disrupts the p.Arg1463 amino acid residue in SCN4A. Other variant(s) that disrupt this residue have been observed in individuals with SCN4A-related conditions (PMID: 29605429; Invitae), which suggests that this may be a clinically significant amino acid residue. For these reasons, this variant has been classified as Pathogenic.

Blueprint Genetics
Classification: Uncertain significance. Last evaluated: 2020-07-23. Review status: criteria provided, single submitter. Criteria: ACMG Guidelines, 2015. Collection method: clinical testing. Allele origin: germline.

Literature cited by the submitters: PubMed 29606556 (cited by Labcorp Genetics (formerly Invitae), Labcorp); PubMed 33670307 (cited by Labcorp Genetics (formerly Invitae), Labcorp); PubMed 29605429 (cited by Labcorp Genetics (formerly Invitae), Labcorp).

NM_000334.4(SCN4A):c.4388G>A (p.Arg1463His)

Genes: GH-LCR (growth hormone locus control region; plus strand), SCN4A (sodium voltage-gated channel alpha subunit 4; minus strand). Cytogenetic location: 17q23.3.
Variant type: single nucleotide variant.
Coding change: c.4388G>A on transcript NM_000334.4 (MANE Select); coding-DNA position 4388, G replaced by A.
Protein change: p.Arg1463His; replaces arginine 1463 with histidine.
Molecular consequence: missense variant.
Genome position (GRCh38, 1-based): chr17:63,941,894, C>T on the plus strand (G>A on the coding strand, the complement: SCN4A is on the minus strand). VCF-style: chr17-63941894-C-T. GRCh37 (hg19) VCF-style: chr17-62019254-C-T.
Other names: short protein forms R1463H.
Identifiers: ClinVar variation 642244 (VCV000642244.8), dbSNP rs771340029, ClinGen allele CA8708975.